The following is an entry in ClinVar:

ClinVar aggregate classification (germline): Uncertain significance (1 of 4 stars; one submission).

Submission:

GeneDx
Classification: Uncertain significance. Last evaluated: 2019-04-05. Review status: criteria provided, single submitter. Criteria: GeneDx Variant Classification Process June 2021. Collection method: clinical testing. Allele origin: germline. Affected: yes.
Comment: Not observed in large population cohorts (Lek et al., 2016); Canonical splice site variant in a gene for which loss-of-function is not a known mechanism of disease; Has not been previously published as pathogenic or benign to our knowledge

NM_006445.4(PRPF8):c.4339-2A>G

Gene: PRPF8 (pre-mRNA processing factor 8; minus strand). Cytogenetic location: 17p13.3.
Variant type: single nucleotide variant.
Coding change: c.4339-2A>G on transcript NM_006445.4 (MANE Select); the canonical splice acceptor site of the intron before coding-DNA position 4339, A replaced by G.
Molecular consequence: splice acceptor variant.
Genome position (GRCh38, 1-based): chr17:1,661,164, T>C on the plus strand (A>G on the coding strand, the complement: PRPF8 is on the minus strand). VCF-style: chr17-1661164-T-C. GRCh37 (hg19) VCF-style: chr17-1564458-T-C.
Identifiers: ClinVar variation 1308400 (VCV001308400.2), dbSNP rs2151116387, ClinGen allele CA397576880.